The following is an entry in ClinVar:

NM_001289808.2(CRYAB):c.464_465del (p.Pro155fs)

Gene: CRYAB (crystallin alpha B; minus strand). Cytogenetic location: 11q23.1.
Variant type: Deletion.
Coding change: c.464_465del on transcript NM_001289808.2 (MANE Select); coding-DNA positions 464 to 465, 2 bases deleted (CT; older notation c.464_465delCT).
Protein change: p.Pro155fs; shifts the reading frame from proline 155.
Molecular consequence: frameshift variant.
Genome position (GRCh38, 1-based): chr11:111,908,827-111,908,828, AG deleted on the plus strand (CT on the coding strand, the reverse complement: CRYAB is on the minus strand). VCF-style (leftmost placement, unchanged base first): chr11-111908826-CAG-C. GRCh37 (hg19) VCF-style: chr11-111779550-CAG-C.
Other names: c.464_465del, p.Pro155fs (NM_001289807.1, NM_001368245.1, NM_001885.3); c.263_264del, p.Pro88fs (NM_001330379.1, NM_001368246.1); short protein forms P88fs, P155fs.
Identifiers: ClinVar variation 16955 (VCV000016955.6), dbSNP rs1566402514, ClinGen allele CA891834524.

ClinVar aggregate classification (germline): Uncertain significance. Review status: criteria provided, single submitter (1 of 4 stars). 2 submissions from 2 submitters: Uncertain significance (1). 1 of the submissions does not count toward it. Last evaluated 2026-02-01.

Conditions:
Dilated cardiomyopathy 1II (CMD1II). Identifiers: Orphanet 154, MedGen C3554649, MONDO:0014073, OMIM 615184.
Myofibrillar myopathy 2. Also called: MYOPATHY, MYOFIBRILLAR, WITH OR WITHOUT CATARACT AND/OR CARDIOMYOPATHY; MYOPATHY, DESMIN-RELATED, ASSOCIATED WITH MUTATION IN THE CRYAB GENE; MYOPATHY, MYOFIBRILLAR, ALPHA-B CRYSTALLIN-RELATED; MYOPATHY, MYOFIBRILLAR, 2A, ADULT-ONSET. Identifiers: Orphanet 280553, Orphanet 399058, MedGen C1837317, MONDO:0012130.

Submissions (2):

Labcorp Genetics (formerly Invitae), Labcorp
Classification: Uncertain significance for Dilated cardiomyopathy 1II. Last evaluated: 2026-02-01. Review status: criteria provided, single submitter. Criteria: Invitae Variant Classification Sherloc (09022015). Collection method: clinical testing. Allele origin: germline.
Comment: This sequence change creates a premature translational stop signal (p.Pro155Argfs*9) in the CRYAB gene. While this is not anticipated to result in nonsense mediated decay, it is expected to disrupt the last 21 amino acid(s) of the CRYAB protein. This variant is not present in population databases (gnomAD no frequency). This premature translational stop signal has been observed in individual(s) with CRYAB-related conditios (PMID: 14681890). This variant is also known as 464ΔCT. ClinVar contains an entry for this variant (Variation ID: 16955). Algorithms developed to predict the effect of variants on gene product structure and function are not available or were not evaluated for this variant. Experimental studies have shown that this premature translational stop signal affects CRYAB function (PMID: 25961584). In summary, the available evidence is currently insufficient to determine the role of this variant in disease. Therefore, it has been classified as a Variant of Uncertain Significance.

OMIM
Classification: Pathogenic for MYOPATHY, MYOFIBRILLAR, 2A, ADULT-ONSET. Last evaluated: 2003-12-01. Review status: no assertion criteria provided. Collection method: literature only. Allele origin: germline. Not counted in ClinVar's aggregate classification.

Literature cited by the submitters: PubMed 14681890 (cited by Labcorp Genetics (formerly Invitae), Labcorp and OMIM); PubMed 25961584 (cited by Labcorp Genetics (formerly Invitae), Labcorp).